The following is an entry in ClinVar:

NM_144670.6(A2ML1):c.483+6C>T

Gene: A2ML1 (alpha-2-macroglobulin like 1; plus strand). Cytogenetic location: 12p13.31.
Variant type: single nucleotide variant.
Coding change: c.483+6C>T on transcript NM_144670.6 (MANE Select); 6 bases into the intron after coding-DNA position 483, C replaced by T.
Molecular consequence: intron variant.
Genome position (GRCh38, 1-based): chr12:8,834,688, C>T. VCF-style: chr12-8834688-C-T. GRCh37 (hg19) VCF-style: chr12-8987284-C-T.
Other names: c.483+6C>T (NM_144670.5).
Identifiers: ClinVar variation 957396 (VCV000957396.10), dbSNP rs754169968, ClinGen allele CA6435324.

ClinVar aggregate classification (germline): Conflicting classifications of pathogenicity. Review status: criteria provided, conflicting classifications (1 of 4 stars). 3 submissions from 3 submitters: Uncertain significance (1); Benign (1). 1 of the submissions does not count toward it. Last evaluated 2026-01-18.

Conditions:
A2ML1-related disorder. Also called: A2ML1-related condition.

Allele frequency attached by ClinVar (database versions not stated): gnomAD 0.00001 and 0.00004; TOPMed 0.00006; 1000 Genomes Project 30x 0.00031; 1000 Genomes Project 0.00040.
gnomAD v4.1: 66 of 1,614,102 alleles (0.0041%); highest among the groups gnomAD compares: South Asian, 0.041%; no homozygotes.

Submissions (3):

Labcorp Genetics (formerly Invitae), Labcorp
Classification: Uncertain significance. Last evaluated: 2026-01-18. Review status: criteria provided, single submitter. Criteria: Invitae Variant Classification Sherloc (09022015). Collection method: clinical testing. Allele origin: germline.
Comment: This sequence change falls in intron 5 of the A2ML1 gene. It does not directly change the encoded amino acid sequence of the A2ML1 protein. It affects a nucleotide within the consensus splice site. This variant is present in population databases (rs754169968, gnomAD 0.05%). This variant has not been reported in the literature in individuals affected with A2ML1-related conditions. ClinVar contains an entry for this variant (Variation ID: 957396). Variants that disrupt the consensus splice site are a relatively common cause of aberrant splicing (PMID: 17576681, 9536098). Algorithms developed to predict the effect of sequence changes on RNA splicing suggest that this variant is not likely to affect RNA splicing. In summary, the available evidence is currently insufficient to determine the role of this variant in disease. Therefore, it has been classified as a Variant of Uncertain Significance.

Women's Health and Genetics/Laboratory Corporation of America, LabCorp
Classification: Benign. Last evaluated: 2023-07-16. Review status: criteria provided, single submitter. Criteria: LabCorp Variant Classification Summary - May 2015. Collection method: clinical testing. Allele origin: germline.

PreventionGenetics, part of Exact Sciences
Classification: Likely benign for A2ML1-related condition. Last evaluated: 2021-06-21. Review status: no assertion criteria provided. Collection method: clinical testing. Allele origin: germline. Not counted in ClinVar's aggregate classification.
Comment: This variant is classified as likely benign based on ACMG/AMP sequence variant interpretation guidelines (Richards et al. 2015 PMID: 25741868, with internal and published modifications).

Literature cited by the submitters: PubMed 17576681 (cited by Labcorp Genetics (formerly Invitae), Labcorp); PubMed 9536098 (cited by Labcorp Genetics (formerly Invitae), Labcorp).